The following is an entry in ClinVar:

ClinVar aggregate classification (germline): Uncertain significance (1 of 4 stars; one submission).

Submission:

Labcorp Genetics (formerly Invitae), Labcorp
Classification: Uncertain significance. Last evaluated: 2024-06-03. Review status: criteria provided, single submitter. Criteria: Invitae Variant Classification Sherloc (09022015). Collection method: clinical testing. Allele origin: germline.
Comment: This sequence change replaces isoleucine, which is neutral and non-polar, with valine, which is neutral and non-polar, at codon 3328 of the FAT1 protein (p.Ile3328Val). This variant is not present in population databases (gnomAD no frequency). This variant has not been reported in the literature in individuals affected with FAT1-related conditions. Algorithms developed to predict the effect of missense changes on protein structure and function output the following: SIFT: "Not Available"; PolyPhen-2: "Benign"; Align-GVGD: "Not Available". The valine amino acid residue is found in multiple mammalian species, which suggests that this missense change does not adversely affect protein function. In summary, the available evidence is currently insufficient to determine the role of this variant in disease. Therefore, it has been classified as a Variant of Uncertain Significance.

NM_005245.4(FAT1):c.9982A>G (p.Ile3328Val)

Gene: FAT1 (FAT atypical cadherin 1; minus strand). Cytogenetic location: 4q35.2.
Variant type: single nucleotide variant.
Coding change: c.9982A>G on transcript NM_005245.4 (MANE Select); coding-DNA position 9982, A replaced by G.
Protein change: p.Ile3328Val; replaces isoleucine 3328 with valine.
Molecular consequence: missense variant.
Genome position (GRCh38, 1-based): chr4:186,609,887, T>C on the plus strand (A>G on the coding strand, the complement: FAT1 is on the minus strand). VCF-style: chr4-186609887-T-C. GRCh37 (hg19) VCF-style: chr4-187531041-T-C.
Other names: short protein forms I3328V.
Identifiers: ClinVar variation 2789554 (VCV002789554.3), dbSNP rs2477399288, ClinGen allele CA358954456.